The following is an entry in ClinVar:

ClinVar aggregate classification (germline): Uncertain significance. Review status: criteria provided, multiple submitters, no conflicts (2 of 4 stars). 2 submissions from 2 submitters: Uncertain significance (2). Last evaluated 2024-03-20.

Conditions:
Hereditary nonpolyposis colorectal neoplasms. Identifiers: MedGen C0009405, MeSH D003123.
Hereditary cancer-predisposing syndrome. Also called: Neoplastic Syndromes, Hereditary; Tumor predisposition; Hereditary neoplastic syndrome; Hereditary Cancer Syndrome. Identifiers: Orphanet 140162, MedGen C0027672, MeSH D009386, MONDO:0015356.

Submissions (2):

Labcorp Genetics (formerly Invitae), Labcorp
Classification: Uncertain significance for Hereditary nonpolyposis colorectal neoplasms. Last evaluated: 2024-03-20. Review status: criteria provided, single submitter. Criteria: Invitae Variant Classification Sherloc (09022015). Collection method: clinical testing. Allele origin: germline.
Comment: This sequence change replaces serine, which is neutral and polar, with isoleucine, which is neutral and non-polar, at codon 525 of the MSH6 protein (p.Ser525Ile). This variant is not present in population databases (gnomAD no frequency). This variant has not been reported in the literature in individuals affected with MSH6-related conditions. Advanced modeling of protein sequence and biophysical properties (such as structural, functional, and spatial information, amino acid conservation, physicochemical variation, residue mobility, and thermodynamic stability) performed at Invitae indicates that this missense variant is not expected to disrupt MSH6 protein function with a negative predictive value of 95%. In summary, the available evidence is currently insufficient to determine the role of this variant in disease. Therefore, it has been classified as a Variant of Uncertain Significance.

Ambry Genetics
Classification: Uncertain significance for Hereditary cancer-predisposing syndrome. Last evaluated: 2023-11-04. Review status: criteria provided, single submitter. Criteria: Ambry Variant Classification Scheme 2023. Collection method: clinical testing. Allele origin: germline.
Comment: The p.S525I variant (also known as c.1574G>T), located in coding exon 4 of the MSH6 gene, results from a G to T substitution at nucleotide position 1574. The serine at codon 525 is replaced by isoleucine, an amino acid with dissimilar properties. This amino acid position is conserved. In addition, this alteration is predicted to be deleterious by in silico analysis. Since supporting evidence is limited at this time, the clinical significance of this alteration remains unclear.

NM_000179.3(MSH6):c.1574G>T (p.Ser525Ile)

Gene: MSH6 (mutS homolog 6; plus strand). Cytogenetic location: 2p16.3.
Variant type: single nucleotide variant.
Coding change: c.1574G>T on transcript NM_000179.3 (MANE Select); coding-DNA position 1574, G replaced by T.
Protein change: p.Ser525Ile; replaces serine 525 with isoleucine.
Molecular consequence: missense variant. On other transcripts: non-coding transcript variant (4), intron variant (1).
Genome position (GRCh38, 1-based): chr2:47,799,557, G>T. VCF-style: chr2-47799557-G-T. GRCh37 (hg19) VCF-style: chr2-48026696-G-T.
Other names: c.1184G>T, p.Ser395Ile (NM_001281492.2); c.668G>T, p.Ser223Ile (NM_001281493.2, NM_001281494.2, NM_001406811.1 and 6 more transcripts); c.1670G>T, p.Ser557Ile (NM_001406795.1, NM_001406802.1); c.1574G>T, p.Ser525Ile (NM_001406796.1, NM_001406798.1, NM_001406800.1 and 4 more transcripts); c.1277G>T, p.Ser426Ile (NM_001406797.1, NM_001406801.1, NM_001406805.1 and 10 more transcripts); c.1049G>T, p.Ser350Ile (NM_001406799.1, NM_001406806.1, NM_001406807.1); c.1496G>T, p.Ser499Ile (NM_001406804.1); c.1580G>T, p.Ser527Ile (NM_001406813.1); and 2 more; short protein forms S223I, S350I, S395I, S426I, S469I, S499I, S525I, S527I.
Identifiers: ClinVar variation 3230508 (VCV003230508.3), dbSNP rs765387680, ClinGen allele CA346746814.